The following is an entry in ClinVar:

ClinVar aggregate classification (germline): Likely benign (1 of 4 stars; one submission).

Allele frequency attached by ClinVar (database versions not stated): ExAC 0.00001; gnomAD 0.00001; gnomAD exomes 0.00001.
gnomAD v4.1: 25 of 1,614,078 alleles (0.0015%); highest among the groups gnomAD compares: Non-Finnish European, 0.0019%; no homozygotes.

Submission:

CeGaT Center for Human Genetics Tuebingen
Classification: Likely benign. Last evaluated: 2022-11-01. Review status: criteria provided, single submitter. Criteria: CeGaT Center For Human Genetics Tuebingen Variant Classification Criteria Version 2. Collection method: clinical testing. Allele origin: germline. Affected: yes. Observed: 1 variant allele.
Comment: KMT2C: BP4, BP7

NM_170606.3(KMT2C):c.6069T>A (p.Pro2023=)

Gene: KMT2C (lysine methyltransferase 2C; minus strand). Cytogenetic location: 7q36.1.
Variant type: single nucleotide variant.
Coding change: c.6069T>A on transcript NM_170606.3 (MANE Select); coding-DNA position 6069, T replaced by A.
Protein change: p.Pro2023=; no amino-acid change (proline 2023 retained).
Molecular consequence: synonymous variant.
Genome position (GRCh38, 1-based): chr7:152,181,791, A>T on the plus strand (T>A on the coding strand, the complement: KMT2C is on the minus strand). VCF-style: chr7-152181791-A-T. GRCh37 (hg19) VCF-style: chr7-151878876-A-T.
Identifiers: ClinVar variation 2658218 (VCV002658218.24), dbSNP rs755313718, ClinGen allele CA4580142.